The following is an entry in ClinVar:

NM_001378452.1(ITPR1):c.5645C>T (p.Thr1882Ile)

Gene: ITPR1 (inositol 1,4,5-trisphosphate receptor type 1; plus strand). Cytogenetic location: 3p26.1.
Variant type: single nucleotide variant.
Coding change: c.5645C>T on transcript NM_001378452.1 (MANE Select); coding-DNA position 5645, C replaced by T.
Protein change: p.Thr1882Ile; replaces threonine 1882 with isoleucine.
Molecular consequence: missense variant.
Genome position (GRCh38, 1-based): chr3:4,766,630, C>T. VCF-style: chr3-4766630-C-T. GRCh37 (hg19) VCF-style: chr3-4808314-C-T.
Other names: c.5501C>T, p.Thr1834Ile (NM_001099952.4); c.5600C>T, p.Thr1867Ile (NM_001168272.2); c.5456C>T, p.Thr1819Ile (NM_002222.7); short protein forms T1819I, T1834I, T1867I, T1882I.
Identifiers: ClinVar variation 3363797 (VCV003363797.1).

ClinVar aggregate classification (germline): Uncertain significance (1 of 4 stars; one submission).

gnomAD v4.1: 1 of 1,613,702 alleles (0.000062%); highest among the groups gnomAD compares: Non-Finnish European, 0.000085%; no homozygotes.

Submission:

GeneDx
Classification: Uncertain significance. Last evaluated: 2023-11-28. Review status: criteria provided, single submitter. Criteria: GeneDx Variant Classification Process June 2021. Collection method: clinical testing. Allele origin: germline. Affected: yes.
Comment: Not observed at significant frequency in large population cohorts (gnomAD); In silico analysis supports that this missense variant has a deleterious effect on protein structure/function; Has not been previously published as pathogenic or benign to our knowledge